The following is an entry in ClinVar:

NM_001368882.1(COL13A1):c.611C>T (p.Thr204Met)

Gene: COL13A1 (collagen type XIII alpha 1 chain; plus strand). Cytogenetic location: 10q22.1.
Variant type: single nucleotide variant.
Coding change: c.611C>T on transcript NM_001368882.1 (MANE Select); coding-DNA position 611, C replaced by T.
Protein change: p.Thr204Met; replaces threonine 204 with methionine.
Molecular consequence: missense variant.
Genome position (GRCh38, 1-based): chr10:69,894,559, C>T. VCF-style: chr10-69894559-C-T. GRCh37 (hg19) VCF-style: chr10-71654315-C-T.
Other names: c.584C>T, p.Thr195Met (NM_001130103.2, NM_080800.4, NM_080801.4 and 1 more transcripts); c.611C>T, p.Thr204Met (NM_001320951.2, NM_001368884.1); c.575C>T, p.Thr192Met (NM_001368883.1, NM_001368885.1); c.11C>T, p.Thr4Met (NM_001368886.1); c.521C>T, p.Thr174Met (NM_001368895.1); c.470C>T, p.Thr157Met (NM_001368896.1, NM_001368898.1, NM_080798.4); c.497C>T, p.Thr166Met (NM_001368897.1, NM_080805.4); c.584C>T (NM_001130103.1); short protein forms T157M, T195M, T174M, T4M, T166M, T192M, T204M.
Identifiers: ClinVar variation 1374401 (VCV001374401.7), dbSNP rs746217865, ClinGen allele CA5534306.

ClinVar aggregate classification (germline): Uncertain significance. Review status: criteria provided, multiple submitters, no conflicts (2 of 4 stars). 2 submissions from 2 submitters: Uncertain significance (2). Last evaluated 2025-05-12.

Conditions:
Inborn genetic diseases. Identifiers: MedGen C0950123, MeSH D030342.

Allele frequency attached by ClinVar (database versions not stated): ExAC 0.00002; gnomAD 0.00003; gnomAD exomes 0.00004; TOPMed 0.00005.
gnomAD v4.1: 147 of 1,613,842 alleles (0.0091%); highest among the groups gnomAD compares: Non-Finnish European, 0.012%; no homozygotes.

Submissions (2):

Labcorp Genetics (formerly Invitae), Labcorp
Classification: Uncertain significance. Last evaluated: 2025-05-12. Review status: criteria provided, single submitter. Criteria: Invitae Variant Classification Sherloc (09022015). Collection method: clinical testing. Allele origin: germline.
Comment: This sequence change replaces threonine, which is neutral and polar, with methionine, which is neutral and non-polar, at codon 195 of the COL13A1 protein (p.Thr195Met). This variant is present in population databases (rs746217865, gnomAD 0.007%). This variant has not been reported in the literature in individuals affected with COL13A1-related conditions. ClinVar contains an entry for this variant (Variation ID: 1374401). An algorithm developed to predict the effect of missense changes on protein structure and function outputs the following: PolyPhen-2: "Benign". The methionine amino acid residue is found in multiple mammalian species, which suggests that this missense change does not adversely affect protein function. In summary, the available evidence is currently insufficient to determine the role of this variant in disease. Therefore, it has been classified as a Variant of Uncertain Significance.

Ambry Genetics
Classification: Uncertain significance for Inborn genetic diseases. Last evaluated: 2024-09-05. Review status: criteria provided, single submitter. Criteria: Ambry Variant Classification Scheme 2023. Collection method: clinical testing. Allele origin: germline.